The following is an entry in ClinVar:

ClinVar aggregate classification (germline): Likely benign (1 of 4 stars; one submission).

gnomAD v4.1: 5 of 1,613,972 alleles (0.00031%); highest among the groups gnomAD compares: Non-Finnish European, 0.00034%; no homozygotes.

Submission:

CeGaT Center for Human Genetics Tuebingen
Classification: Likely benign. Last evaluated: 2025-09-01. Review status: criteria provided, single submitter. Criteria: CeGaT Center For Human Genetics Tuebingen Variant Classification Criteria Version 2. Collection method: clinical testing. Allele origin: germline. Affected: yes. Observed: 1 variant allele.
Comment: CARS1: BP4, BP7

NM_001014437.3(CARS1):c.942T>C (p.Asn314=)

Gene: CARS1 (cysteinyl-tRNA synthetase 1; minus strand). Cytogenetic location: 11p15.4.
Variant type: single nucleotide variant.
Coding change: c.942T>C on transcript NM_001014437.3 (MANE Select); coding-DNA position 942, T replaced by C.
Protein change: p.Asn314=; no amino-acid change (asparagine 314 retained).
Molecular consequence: synonymous variant. On other transcripts: non-coding transcript variant (4).
Genome position (GRCh38, 1-based): chr11:3,029,303, A>G on the plus strand (T>C on the coding strand, the complement: CARS1 is on the minus strand). VCF-style: chr11-3029303-A-G. GRCh37 (hg19) VCF-style: chr11-3050533-A-G.
Other names: c.942T>C, p.Asn314= (NM_001194997.2); c.732T>C, p.Asn244= (NM_001378136.1); c.663T>C, p.Asn221= (NM_001378137.1, NM_001378138.1, NM_001378139.1 and 1 more transcripts); c.417T>C, p.Asn139= (NM_001378140.1); c.693T>C, p.Asn231= (NM_001751.6, NM_139273.4).
Identifiers: ClinVar variation 4281300 (VCV004281300.7).